The following is an entry in ClinVar:

ClinVar aggregate classification (germline): Uncertain significance (1 of 4 stars; one submission).

Conditions:
Giant axonal neuropathy 1 (GAN1). Also called: GIANT AXONAL NEUROPATHY 1, AUTOSOMAL RECESSIVE; GAN-Related Neurodegeneration. Identifiers: Orphanet 643, MedGen C1850386, MONDO:0009749, OMIM 256850.

Submission:

Labcorp Genetics (formerly Invitae), Labcorp
Classification: Uncertain significance for Giant axonal neuropathy 1. Last evaluated: 2022-03-05. Review status: criteria provided, single submitter. Criteria: Invitae Variant Classification Sherloc (09022015). Collection method: clinical testing. Allele origin: germline.
Comment: This variant has not been reported in the literature in individuals affected with GAN-related conditions. Algorithms developed to predict the effect of missense changes on protein structure and function (SIFT, PolyPhen-2, Align-GVGD) all suggest that this variant is likely to be tolerated. In summary, the available evidence is currently insufficient to determine the role of this variant in disease. Therefore, it has been classified as a Variant of Uncertain Significance. This variant is not present in population databases (gnomAD no frequency). This sequence change replaces isoleucine, which is neutral and non-polar, with phenylalanine, which is neutral and non-polar, at codon 575 of the GAN protein (p.Ile575Phe).

NM_022041.4(GAN):c.1723A>T (p.Ile575Phe)

Gene: GAN (gigaxonin; plus strand). Cytogenetic location: 16q23.2.
Variant type: single nucleotide variant.
Coding change: c.1723A>T on transcript NM_022041.4 (MANE Select); coding-DNA position 1723, A replaced by T.
Protein change: p.Ile575Phe; replaces isoleucine 575 with phenylalanine.
Molecular consequence: missense variant.
Genome position (GRCh38, 1-based): chr16:81,377,525, A>T. VCF-style: chr16-81377525-A-T. GRCh37 (hg19) VCF-style: chr16-81411130-A-T.
Other names: c.1084A>T, p.Ile362Phe (NM_001377486.1); short protein forms I362F, I575F.
Identifiers: ClinVar variation 2107172 (VCV002107172.4), dbSNP rs780683261, ClinGen allele CA396892482.